The following is an entry in ClinVar:

NM_006734.4(HIVEP2):c.1894G>A (p.Asp632Asn)

Gene: HIVEP2 (HIVEP zinc finger 2; minus strand). Cytogenetic location: 6q24.2.
Variant type: single nucleotide variant.
Coding change: c.1894G>A on transcript NM_006734.4 (MANE Select); coding-DNA position 1894, G replaced by A.
Protein change: p.Asp632Asn; replaces aspartic acid 632 with asparagine.
Molecular consequence: missense variant.
Genome position (GRCh38, 1-based): chr6:142,772,845, C>T on the plus strand (G>A on the coding strand, the complement: HIVEP2 is on the minus strand). VCF-style: chr6-142772845-C-T. GRCh37 (hg19) VCF-style: chr6-143093982-C-T.
Other names: short protein forms D632N.
Identifiers: ClinVar variation 422510 (VCV000422510.2), dbSNP rs1064795825, ClinGen allele CA16618249.

ClinVar aggregate classification (germline): Likely pathogenic (1 of 4 stars; one submission).

Allele frequency attached by ClinVar (database versions not stated): gnomAD exomes below 0.00001.
gnomAD v4.1: 1 of 1,614,190 alleles (0.000062%); highest among the groups gnomAD compares: Non-Finnish European, 0.000085%; no homozygotes.

Submission:

GeneDx
Classification: Likely pathogenic. Last evaluated: 2016-10-28. Review status: criteria provided, single submitter. Criteria: GeneDx Variant Classification (06012015). Collection method: clinical testing. Allele origin: germline. Affected: yes.
Comment: The D632N variant has not been published as a pathogenic variant, nor has it been reported as a benign variant to our knowledge. It was not observed in approximately 6,100 individuals of European and African American ancestry in the NHLBI Exome Sequencing Project, indicating it is not a common benign variant in these populations. The D632N variant is a semi-conservative amino acid substitution, which may impact secondary protein structure as these residues differ in some properties. However, this substitution occurs at a position that is not conserved. In silico analysis is inconsistent in its predictions as to whether or not the D632N variant is damaging to the protein structure/function. Therefore, this variant is likely pathogenic; however, the possibility that it is benign cannot be excluded.